The following is an entry in ClinVar:

NM_000492.4(CFTR):c.1083del (p.Trp361fs)

Gene: CFTR (CF transmembrane conductance regulator; plus strand). Cytogenetic location: 7q31.2.
Variant type: Deletion.
Coding change: c.1083del on transcript NM_000492.4 (MANE Select); coding-DNA position 1083, one base deleted (G; older notation c.1083delG).
Protein change: p.Trp361fs; shifts the reading frame from tryptophan 361.
Molecular consequence: frameshift variant.
Genome position (GRCh38, 1-based): chr7:117,540,313, G deleted; the last of 2 consecutive G bases (chr7:117,540,312-117,540,313); deleting either gives the same sequence. VCF-style (leftmost placement, unchanged base first): chr7-117540311-TG-T. GRCh37 (hg19) VCF-style: chr7-117180365-TG-T.
Other names: c.1083delG (NM_000492.3); short protein forms W361fs.
Identifiers: ClinVar variation 7213 (VCV000007213.16), dbSNP rs387906375, ClinGen allele CA325600.
Genomic context (GRCh38, chr7:117,540,311, plus strand): 5'-TCATTCTGCATTGTTCTGCGCATGGCGGTCACTCGGCAATTTCCCTGGGCTGTACAAACA[TG>T]GTATGACTCTCTTGGAGCAATAAACAAAATACAGGTAATGTACCATAATGCTGCATTATA-3'

ClinVar aggregate classification (germline): Pathogenic. Review status: criteria provided, multiple submitters, no conflicts (2 of 4 stars). 7 submissions from 7 submitters: Pathogenic (6). 1 of the submissions does not count toward it. Last evaluated 2024-10-25.

Conditions:
CFTR-related disorder (CFTR-RD). Also called: CFTR-related condition; CFTR-related disorders. Identifiers: MedGen C5924204, MONDO:7770004.
Cystic fibrosis (CF). Also called: MUCOVISCIDOSIS. Identifiers: Orphanet 586, MedGen C0010674, MONDO:0009061, OMIM 219700. Disease mechanism: loss of function.
Bronchiectasis with or without elevated sweat chloride 1 (BESC1). Also called: Cystic Fibrosis-Like Syndrome. Identifiers: Orphanet 60033, MedGen C2749757, MONDO:0008887, OMIM 211400.

Submissions (7):

Natera, Inc.
Classification: Pathogenic for CFTR-related disorders. Last evaluated: 2024-10-25. Review status: criteria provided, single submitter. Criteria: Natera Variant Classification Schema (03/2026). Collection method: clinical testing. Allele origin: germline.
Comment: The c.1083delG variant in CFTR is a frameshift variant predicted to shift the reading frame beginning at codon 361 and leads to a stop codon 8 codons downstream. This variant is expected to result in nonsense mediated decay, truncation, or a dysfunctional protein product. This variant is rare in the general population with a frequency below the threshold expected for the associated phenotype(s). This variant has been observed in one or more individuals affected with the associated recessive disease, as either homozygous or compound heterozygous with a second variant (PMID: 31916691, 8707304). Given the available evidence, this variant is classified as Pathogenic.

Dasa
Classification: Pathogenic. Last evaluated: 2024-05-24. Review status: criteria provided, single submitter. Criteria: DASA Assertion Criteria. Collection method: clinical testing. Allele origin: germline.
Comment: NM_000492.4(CFTR):c.1083del (p.Trp361Cysfs*8) introduces a premature termination codon predicted to result in loss of normal protein function. Loss-of-function is an established mechanism of disease for this gene. This variant has been reported in individuals with related phenotype (PMID: 7524910). Multiple computational predictions support a deleterious effect on the gene or gene product. Based on the available data, this variant is classified as pathogenic.

Baylor Genetics
Classification: Pathogenic for Bronchiectasis with or without elevated sweat chloride 1. Last evaluated: 2023-01-04. Review status: criteria provided, single submitter. Criteria: ACMG Guidelines, 2015. Collection method: clinical testing. Allele origin: unknown.

Labcorp Genetics (formerly Invitae), Labcorp
Classification: Pathogenic for Cystic fibrosis. Last evaluated: 2021-02-18. Review status: criteria provided, single submitter. Criteria: Invitae Variant Classification Sherloc (09022015). Collection method: clinical testing. Allele origin: germline.
Comment: For these reasons, this variant has been classified as Pathogenic. Algorithms developed to predict the effect of sequence changes on RNA splicing suggest that this variant may create or strengthen a splice site, but this prediction has not been confirmed by published transcriptional studies. This variant has been observed in individual(s) with cystic fibrosis (PMID: 7524910). In at least one individual the data is consistent with the variant being in trans (on the opposite chromosome) from a pathogenic variant. This variant is also known as 1215delG in the literature. ClinVar contains an entry for this variant (Variation ID: 7213). This variant is not present in population databases (ExAC no frequency). This sequence change creates a premature translational stop signal (p.Trp361Cysfs*8) in the CFTR gene. It is expected to result in an absent or disrupted protein product. Loss-of-function variants in CFTR are known to be pathogenic (PMID: 1695717, 7691345, 9725922).

CFTR-France
Classification: Pathogenic for cystic fibrosis. Last evaluated: 2018-01-29. Review status: criteria provided, single submitter. Criteria: Claustres M et al. (Hum Mutat 2017). Collection method: curation. Allele origin: germline. Affected: yes.

Eurofins Ntd Llc (ga)
Classification: Pathogenic. Last evaluated: 2017-04-18. Review status: criteria provided, single submitter. Criteria: EGL Classification Definitions 2015. Collection method: clinical testing. Allele origin: germline. Observed: 1 variant allele, 1 heterozygote.

OMIM
Classification: Pathogenic for CYSTIC FIBROSIS. Last evaluated: 1994-06-01. Review status: no assertion criteria provided. Collection method: literature only. Allele origin: germline. Not counted in ClinVar's aggregate classification.

Literature cited by the submitters: PubMed 31916691 (cited by Natera, Inc.); PubMed 8707304 (cited by Natera, Inc.); PubMed 7524910 (cited by 4 submitters); PubMed 1695717 (cited by Labcorp Genetics (formerly Invitae), Labcorp); PubMed 7691345 (cited by Labcorp Genetics (formerly Invitae), Labcorp); PubMed 9725922 (cited by Labcorp Genetics (formerly Invitae), Labcorp).